The following is an entry in ClinVar:

NM_014846.4(WASHC5):c.1504A>T (p.Ile502Leu)

Gene: WASHC5 (WASH complex subunit 5; minus strand). Cytogenetic location: 8q24.13.
Variant type: single nucleotide variant.
Coding change: c.1504A>T on transcript NM_014846.4 (MANE Select); coding-DNA position 1504, A replaced by T.
Protein change: p.Ile502Leu; replaces isoleucine 502 with leucine.
Molecular consequence: missense variant.
Genome position (GRCh38, 1-based): chr8:125,061,099, T>A on the plus strand (A>T on the coding strand, the complement: WASHC5 is on the minus strand). VCF-style: chr8-125061099-T-A. GRCh37 (hg19) VCF-style: chr8-126073341-T-A.
Other names: c.1060A>T, p.Ile354Leu (NM_001330609.2); short protein forms I502L, I354L.
Identifiers: ClinVar variation 1993092 (VCV001993092.4), dbSNP rs2537345578, ClinGen allele CA372192441.

ClinVar aggregate classification (germline): Uncertain significance (1 of 4 stars; one submission).

Conditions:
Hereditary spastic paraplegia 8 (SPG8). Also called: SPASTIC PARAPLEGIA 8, AUTOSOMAL DOMINANT. Identifiers: Orphanet 100989, MedGen C1863704, MONDO:0011339, OMIM 603563.
Ritscher-Schinzel syndrome. Also called: CRANIOCEREBELLOCARDIAC DYSPLASIA. Identifiers: Orphanet 7, MedGen C0796137, MONDO:0019078.

Submission:

Labcorp Genetics (formerly Invitae), Labcorp
Classification: Uncertain significance for Ritscher-Schinzel syndrome; Hereditary spastic paraplegia 8. Last evaluated: 2022-05-11. Review status: criteria provided, single submitter. Criteria: Invitae Variant Classification Sherloc (09022015). Collection method: clinical testing. Allele origin: germline.
Comment: In summary, the available evidence is currently insufficient to determine the role of this variant in disease. Therefore, it has been classified as a Variant of Uncertain Significance. Algorithms developed to predict the effect of missense changes on protein structure and function are either unavailable or do not agree on the potential impact of this missense change (SIFT: "Tolerated"; PolyPhen-2: "Possibly Damaging"; Align-GVGD: "Class C0"). This variant has not been reported in the literature in individuals affected with WASHC5-related conditions. This variant is not present in population databases (gnomAD no frequency). This sequence change replaces isoleucine, which is neutral and non-polar, with leucine, which is neutral and non-polar, at codon 502 of the WASHC5 protein (p.Ile502Leu).